The following is an entry in ClinVar:

NM_015909.4(NBAS):c.1181A>G (p.Asn394Ser)

Gene: NBAS (NBAS subunit of NRZ tethering complex; minus strand). Cytogenetic location: 2p24.3.
Variant type: single nucleotide variant.
Coding change: c.1181A>G on transcript NM_015909.4 (MANE Select); coding-DNA position 1181, A replaced by G.
Protein change: p.Asn394Ser; replaces asparagine 394 with serine.
Molecular consequence: missense variant. On other transcripts: non-coding transcript variant (1).
Genome position (GRCh38, 1-based): chr2:15,475,847, T>C on the plus strand (A>G on the coding strand, the complement: NBAS is on the minus strand). VCF-style: chr2-15475847-T-C. GRCh37 (hg19) VCF-style: chr2-15615971-T-C.
Other names: short protein forms N394S.
Identifiers: ClinVar variation 715556 (VCV000715556.13), dbSNP rs143312358, ClinGen allele CA1536745.

ClinVar aggregate classification (germline): Likely benign. Review status: criteria provided, single submitter (1 of 4 stars). 2 submissions from 2 submitters: Likely benign (1). 1 of the submissions does not count toward it. Last evaluated 2026-01-28.

Conditions:
NBAS-related disorder. Also called: NBAS-related condition.

Allele frequency attached by ClinVar (database versions not stated): gnomAD exomes 0.00084; 1000 Genomes Project 30x 0.00094; ExAC 0.00105; 1000 Genomes Project 0.00120; gnomAD 0.00137; TOPMed 0.00193; ESP Exome Variant Server 0.00231.
gnomAD v4.1: 746 of 1,613,942 alleles (0.046%); highest among the groups gnomAD compares: African/African-American, 0.58%; no homozygotes.

Submissions (2):

Labcorp Genetics (formerly Invitae), Labcorp
Classification: Likely benign. Last evaluated: 2026-01-28. Review status: criteria provided, single submitter. Criteria: Invitae Variant Classification Sherloc (09022015). Collection method: clinical testing. Allele origin: germline.

PreventionGenetics, part of Exact Sciences
Classification: Likely benign for NBAS-related condition. Last evaluated: 2019-10-28. Review status: no assertion criteria provided. Collection method: clinical testing. Allele origin: germline. Not counted in ClinVar's aggregate classification.
Comment: This variant is classified as likely benign based on ACMG/AMP sequence variant interpretation guidelines (Richards et al. 2015 PMID: 25741868, with internal and published modifications).